The following is an entry in ClinVar:

NM_031433.4(MFRP):c.1366G>A (p.Gly456Ser)

Genes: C1QTNF5 (C1q and TNF related 5; minus strand), MFRP (membrane frizzled-related protein; minus strand). Cytogenetic location: 11q23.3.
Variant type: single nucleotide variant.
Coding change: c.1366G>A on transcript NM_031433.4 (MANE Select); coding-DNA position 1366, G replaced by A.
Protein change: p.Gly456Ser; replaces glycine 456 with serine.
Molecular consequence: missense variant. On other transcripts: 5 prime UTR variant (1).
Genome position (GRCh38, 1-based): chr11:119,342,617, C>T on the plus strand (G>A on the coding strand, the complement: MFRP is on the minus strand). VCF-style: chr11-119342617-C-T. GRCh37 (hg19) VCF-style: chr11-119213327-C-T.
Other names: c.-1271G>A (NM_015645.5); short protein forms G456S.
Identifiers: ClinVar variation 302954 (VCV000302954.16), dbSNP rs369531002, ClinGen allele CA6320135.
Genomic context (GRCh38, chr11:119,342,617, plus strand): 5'-ACCCAGCCTGCTCAGGGTCCCCAGGGGCAGGCTTCTCACCTGGGGGTGGGAACAAGGGGC[C>T]GCTGCAGTTGTCATCGCTGCCATCGGTGCAGTCTCTCCACATGTCACACATCCACTGCAC-3'
Protein context (NP_113621.1, residues 446-466): CTDGSDDNCS[Gly456Ser]PLFPPPELAC

ClinVar aggregate classification (germline): Uncertain significance. Review status: criteria provided, multiple submitters, no conflicts (2 of 4 stars). 4 submissions from 3 submitters: Uncertain significance (4). Last evaluated 2024-12-16.

Conditions:
Late-onset retinal degeneration (LORD). Also called: RETINAL DEGENERATION, LATE-ONSET, AUTOSOMAL DOMINANT. Identifiers: Orphanet 67042, MedGen C1854065, MONDO:0011579, OMIM 605670. Disease mechanism: loss of function.
Isolated microphthalmia 5. Also called: Posterior Microphthalmia with Retinitis Pigmentosa, Foveoschisis, and Optic Disc Drusen. Identifiers: Orphanet 251279, MedGen C1970236, MONDO:0012605, OMIM 611040.

Allele frequency attached by ClinVar (database versions not stated): ExAC 0.00009; ESP Exome Variant Server 0.00008; TOPMed 0.00002; gnomAD 0.00006; 1000 Genomes Project 30x 0.00016; 1000 Genomes Project 0.00020.
gnomAD v4.1: 75 of 1,613,404 alleles (0.0046%); highest among the groups gnomAD compares: East Asian, 0.076%; no homozygotes.

Submissions (4):

Labcorp Genetics (formerly Invitae), Labcorp
Classification: Uncertain significance for Isolated microphthalmia 5. Last evaluated: 2024-12-16. Review status: criteria provided, single submitter. Criteria: Invitae Variant Classification Sherloc (09022015). Collection method: clinical testing. Allele origin: germline.
Comment: This sequence change replaces glycine, which is neutral and non-polar, with serine, which is neutral and polar, at codon 456 of the MFRP protein (p.Gly456Ser). This variant is present in population databases (rs369531002, gnomAD 0.06%). This variant has not been reported in the literature in individuals affected with MFRP-related conditions. ClinVar contains an entry for this variant (Variation ID: 302954). Invitae Evidence Modeling of protein sequence and biophysical properties (such as structural, functional, and spatial information, amino acid conservation, physicochemical variation, residue mobility, and thermodynamic stability) indicates that this missense variant is not expected to disrupt MFRP protein function with a negative predictive value of 80%. In summary, the available evidence is currently insufficient to determine the role of this variant in disease. Therefore, it has been classified as a Variant of Uncertain Significance.

Blueprint Genetics
Classification: Uncertain significance. Last evaluated: 2023-06-09. Review status: criteria provided, single submitter. Criteria: ACMG Guidelines, 2015. Collection method: clinical testing. Allele origin: germline.

Illumina Laboratory Services, Illumina
Classification: Uncertain significance for Late-onset retinal degeneration. Last evaluated: 2018-01-12. Review status: criteria provided, single submitter. Criteria: ICSL Variant Classification Criteria 13 December 2019. Collection method: clinical testing. Allele origin: germline.

Illumina Laboratory Services, Illumina
Classification: Uncertain significance for Isolated microphthalmia 5. Last evaluated: 2018-01-12. Review status: criteria provided, single submitter. Criteria: ICSL Variant Classification Criteria 13 December 2019. Collection method: clinical testing. Allele origin: germline.